The following is an entry in ClinVar:

ClinVar aggregate classification (germline): Likely pathogenic. Review status: reviewed by expert panel (3 of 4 stars). 2 submissions from 2 submitters: Likely pathogenic (1). 1 of the submissions does not count toward it. Last evaluated 2018-12-09.

Conditions:
Phenylketonuria (PKU). Also called: Phenylketonuria (PKU); FOLLING DISEASE; OLIGOPHRENIA PHENYLPYRUVICA; Phenylketonurias. Identifiers: Orphanet 716, MedGen C0031485, MONDO:0009861, OMIM 261600. Disease mechanism: loss of function.

Submissions (2):

ClinGen PAH Variant Curation Expert Panel
Classification: Likely pathogenic for Phenylketonuria. Last evaluated: 2018-12-09. Review status: reviewed by expert panel. Criteria: ClinGen PAH ACMG Specifications v1. Collection method: curation. Allele origin: germline. Inheritance: Autosomal recessive inheritance.
Comment: The c.1217T>C (p.Ile406Thr) variant in PAH is reported in 2 unrelated patients with PKU; BH4 cofactor deficiency was ruled out. (PMID: 10234516, 27121329, 28754886) This variant was reported in trans with known pathogenic variants p.I65T (PMID: 10234516) and IVS4-1G>A (PMID: 28754886). It is absent in population databases, and multiple lines of computational evidence support a deleterious effect. In summary, this variant meets criteria to be classified as likely pathogenic for PAH. PAH-specific ACMG/AMP criteria applied: PM3_strong, PM2, PP4_Moderate, PP3.

DeBelle Laboratory for Biochemical Genetics, MUHC/MCH RESEARCH INSTITUTE
No classification provided. Review status: no classification provided. Collection method: not provided. Allele origin: not provided. Not counted in ClinVar's aggregate classification.

Literature cited by the submitters: PubMed 28754886 (cited by ClinGen PAH Variant Curation Expert Panel); PubMed 10234516 (cited by ClinGen PAH Variant Curation Expert Panel); PubMed 27121329 (cited by ClinGen PAH Variant Curation Expert Panel).

NM_000277.3(PAH):c.1217T>C (p.Ile406Thr)

Gene: PAH (phenylalanine hydroxylase; minus strand). Cytogenetic location: 12q23.2.
Variant type: single nucleotide variant.
Coding change: c.1217T>C on transcript NM_000277.3 (MANE Select); coding-DNA position 1217, T replaced by C.
Protein change: p.Ile406Thr; replaces isoleucine 406 with threonine.
Molecular consequence: missense variant.
Genome position (GRCh38, 1-based): chr12:102,840,498, A>G on the plus strand (T>C on the coding strand, the complement: PAH is on the minus strand). VCF-style: chr12-102840498-A-G. GRCh37 (hg19) VCF-style: chr12-103234276-A-G.
Other names: NM_000277.2(PAH):c.1217T>C; c.1217T>C, p.Ile406Thr (NM_001354304.2); short protein forms I406T.
Identifiers: ClinVar variation 102567 (VCV000102567.2), dbSNP rs62644469, ClinGen allele CA229398.
Genomic context (GRCh38, chr12:102,840,498, plus strand): 5'-TTGTCCAAGACCTCAATCCTTTGGGTGTATGGGTCGTAGCGAACTGAGAAGGGCCGAGGT[A>G]TTGTGGCAGCAAAGTTCCTAAGACCAAAACCACAGGCTTGAGTGAAGGGCACCATTTGGA-3'
Protein context (NP_000268.1, residues 396-416): KEKVRNFAAT[Ile406Thr]PRPFSVRYDP